The following is an entry in ClinVar:

ClinVar aggregate classification (germline): Uncertain significance (1 of 4 stars; one submission).

Submission:

GeneDx
Classification: Uncertain significance. Last evaluated: 2025-06-11. Review status: criteria provided, single submitter. Criteria: GeneDx Variant Classification Process June 2021. Collection method: clinical testing. Allele origin: germline. Affected: yes.
Comment: Nonsense variant predicted to result in protein truncation as the last six amino acids are lost, although loss-of-function variants have not been reported downstream of this position in the protein; De novo variant with confirmed parentage; however, limited information is available about the clinical features of the reported patient (PMID: 33057194); Not observed at significant frequency in large population cohorts (gnomAD); This variant is associated with the following publications: (PMID: 35982159, 33057194)

NM_000127.3(EXT1):c.2221C>T (p.Arg741Ter)

Gene: EXT1 (exostosin glycosyltransferase 1; minus strand). Cytogenetic location: 8q24.11.
Variant type: single nucleotide variant.
Coding change: c.2221C>T on transcript NM_000127.3 (MANE Select); coding-DNA position 2221, C replaced by T.
Protein change: p.Arg741Ter; replaces arginine 741 with a stop codon.
Molecular consequence: nonsense.
Genome position (GRCh38, 1-based): chr8:117,799,732, G>A on the plus strand (C>T on the coding strand, the complement: EXT1 is on the minus strand). VCF-style: chr8-117799732-G-A. GRCh37 (hg19) VCF-style: chr8-118811971-G-A.
Other names: short protein forms R741*.
Identifiers: ClinVar variation 4537846 (VCV004537846.1).